The following is an entry in ClinVar:

ClinVar aggregate classification (germline): Uncertain significance. Review status: criteria provided, multiple submitters, no conflicts (2 of 4 stars). 2 submissions from 2 submitters: Uncertain significance (2). Last evaluated 2024-07-12.

Submissions (2):

Labcorp Genetics (formerly Invitae), Labcorp
Classification: Uncertain significance. Last evaluated: 2024-07-12. Review status: criteria provided, single submitter. Criteria: Invitae Variant Classification Sherloc (09022015). Collection method: clinical testing. Allele origin: germline.
Comment: This sequence change replaces alanine, which is neutral and non-polar, with proline, which is neutral and non-polar, at codon 142 of the IL12RB2 protein (p.Ala142Pro). This variant is not present in population databases (gnomAD no frequency). This variant has not been reported in the literature in individuals affected with IL12RB2-related conditions. An algorithm developed to predict the effect of missense changes on protein structure and function (PolyPhen-2) suggests that this variant is likely to be disruptive. In summary, the available evidence is currently insufficient to determine the role of this variant in disease. Therefore, it has been classified as a Variant of Uncertain Significance.

Ambry Genetics
Classification: Uncertain significance. Last evaluated: 2024-01-02. Review status: criteria provided, single submitter. Criteria: Ambry Variant Classification Scheme 2023. Collection method: clinical testing. Allele origin: germline.

NM_001374259.2(IL12RB2):c.424G>C (p.Ala142Pro)

Gene: IL12RB2 (interleukin 12 receptor subunit beta 2; plus strand). Cytogenetic location: 1p31.3.
Variant type: single nucleotide variant.
Coding change: c.424G>C on transcript NM_001374259.2 (MANE Select); coding-DNA position 424, G replaced by C.
Protein change: p.Ala142Pro; replaces alanine 142 with proline.
Molecular consequence: missense variant. On other transcripts: non-coding transcript variant (2).
Genome position (GRCh38, 1-based): chr1:67,326,794, G>C. VCF-style: chr1-67326794-G-C. GRCh37 (hg19) VCF-style: chr1-67792477-G-C.
Other names: c.424G>C, p.Ala142Pro (NM_001258214.1, NM_001258215.1, NM_001258216.1 and 2 more transcripts); short protein forms A142P.
Identifiers: ClinVar variation 3109076 (VCV003109076.3), dbSNP rs2525900293, ClinGen allele CA340731957.